The following is an entry in ClinVar:

NM_032043.3(BRIP1):c.2753C>A (p.Thr918Asn)

Gene: BRIP1 (BRCA1 interacting DNA helicase 1; minus strand). Cytogenetic location: 17q23.2.
Variant type: single nucleotide variant.
Coding change: c.2753C>A on transcript NM_032043.3 (MANE Select); coding-DNA position 2753, C replaced by A.
Protein change: p.Thr918Asn; replaces threonine 918 with asparagine.
Molecular consequence: missense variant.
Genome position (GRCh38, 1-based): chr17:61,685,988, G>T on the plus strand (C>A on the coding strand, the complement: BRIP1 is on the minus strand). VCF-style: chr17-61685988-G-T. GRCh37 (hg19) VCF-style: chr17-59763349-G-T.
Other names: p.T918N:ACC>AAC; short protein forms T918N.
Identifiers: ClinVar variation 182333 (VCV000182333.4), dbSNP rs587781298, ClinGen allele CA298835.
Genomic context (GRCh38, chr17:61,685,988, plus strand): 5'-TCATCTTCCACAAAATTTTCTGGTGATAGATGACTTGCTGCTTCCAGTAAATAAGGTGAG[G>T]TACTGTACTTTAAAGAGGTCACTTCAAGTGTAGACTCATTGTCCTGTATATTGGTTCTGT-3'
Protein context (NP_114432.2, residues 908-928): TLEVTSLKYS[Thr918Asn]SPYLLEAASH

ClinVar aggregate classification (germline): Uncertain significance. Review status: criteria provided, multiple submitters, no conflicts (2 of 4 stars). 2 submissions from 2 submitters: Uncertain significance (2). Last evaluated 2024-11-11.

Conditions:
Familial cancer of breast. Also called: BREAST CANCER, FAMILIAL; hereditary breast carcinoma; Hereditary breast cancer. Identifiers: Orphanet 227535, MedGen C0346153, MONDO:0016419, OMIM 114480. Disease mechanism: loss of function.
Fanconi anemia complementation group J. Also called: BRIP1-Related Fanconi Anemia. Identifiers: Orphanet 84, MedGen C1836860, MONDO:0012187, OMIM 609054.

Submissions (2):

Labcorp Genetics (formerly Invitae), Labcorp
Classification: Uncertain significance for Familial cancer of breast; Fanconi anemia complementation group J. Last evaluated: 2024-11-11. Review status: criteria provided, single submitter. Criteria: Invitae Variant Classification Sherloc (09022015). Collection method: clinical testing. Allele origin: germline.
Comment: This sequence change replaces threonine, which is neutral and polar, with asparagine, which is neutral and polar, at codon 918 of the BRIP1 protein (p.Thr918Asn). This variant is not present in population databases (gnomAD no frequency). This variant has not been reported in the literature in individuals affected with BRIP1-related conditions. ClinVar contains an entry for this variant (Variation ID: 182333). Invitae Evidence Modeling of protein sequence and biophysical properties (such as structural, functional, and spatial information, amino acid conservation, physicochemical variation, residue mobility, and thermodynamic stability) indicates that this missense variant is not expected to disrupt BRIP1 protein function with a negative predictive value of 95%. In summary, the available evidence is currently insufficient to determine the role of this variant in disease. Therefore, it has been classified as a Variant of Uncertain Significance.

GeneDx
Classification: Uncertain significance. Last evaluated: 2014-07-22. Review status: criteria provided, single submitter. Criteria: GeneDx Variant Classification (06012015). Collection method: clinical testing. Allele origin: germline. Affected: yes.
Comment: This variant is denoted BRIP1 c.2753C>A at the cDNA level, p.Thr918Asn (T918N) at the protein level, and results in the change of a Threonine to an Asparagine (ACC>AAC). This variant has not, to our knowledge, been published in the literature as pathogenic or benign. BRIP1 Thr918Asn was not observed in approximately 6,500 individuals of European and African American ancestry in the NHLBI Exome Sequencing Project, indicating it is not a common benign variant in these populations. Since Threonine and Asparagine share similar properties, this is considered a conservative amino acid substitution. BRIP1 Thr918Asn occurs at a position that is variable across species but is located in the BRCA1 interaction region (UniProt). In silico analyses are inconsistent regarding the effect this variant may have on protein structure and function. Based on currently available information, it is unclear whether BRIP1 Thr918Asn is pathogenic or benign. We consider it to be a variant of uncertain significance.